The following is an entry in ClinVar:

ClinVar aggregate classification (germline): Uncertain significance (1 of 4 stars; one submission).

Conditions:
Brugada syndrome 5 (BRGDA5). Identifiers: Orphanet 130, Orphanet 871, MedGen C2748541, MONDO:0013015, OMIM 612838.

Submission:

Labcorp Genetics (formerly Invitae), Labcorp
Classification: Uncertain significance for Brugada syndrome 5. Last evaluated: 2021-03-24. Review status: criteria provided, single submitter. Criteria: Invitae Variant Classification Sherloc (09022015). Collection method: clinical testing. Allele origin: germline.
Comment: This sequence change replaces methionine with valine at codon 163 of the SCN1B protein (p.Met163Val). The SCN1B gene has multiple clinically relevant transcripts. This variant occurs in alternate transcript NM_001037.5, and corresponds to NM_199037.3:c.*5057A>G in the primary transcript. This variant is not present in population databases (ExAC no frequency). This variant has not been reported in the literature in individuals with SCN1B-related conditions. Experimental studies and prediction algorithms are not available or were not evaluated, and the functional significance of this variant is currently unknown. In summary, the available evidence is currently insufficient to determine the role of this variant in disease. Therefore, it has been classified as a Variant of Uncertain Significance.

NM_001037.5(SCN1B):c.487A>G (p.Met163Val)

Gene: SCN1B (sodium voltage-gated channel beta subunit 1; plus strand). Cytogenetic location: 19q13.11.
Variant type: single nucleotide variant.
Coding change: c.487A>G on transcript NM_001037.5 (MANE Select); coding-DNA position 487, A replaced by G.
Protein change: p.Met163Val; replaces methionine 163 with valine.
Molecular consequence: missense variant.
Genome position (GRCh38, 1-based): chr19:35,039,155, A>G. VCF-style: chr19-35039155-A-G. GRCh37 (hg19) VCF-style: chr19-35530059-A-G.
Other names: c.388A>G, p.Met130Val (NM_001321605.2); short protein forms M163V, M130V.
Identifiers: ClinVar variation 1387268 (VCV001387268.1), dbSNP rs767608329, ClinGen allele CA405329976.